The following is an entry in ClinVar:

NM_001367624.2(ZNF469):c.3985G>A (p.Ala1329Thr)

Gene: ZNF469 (zinc finger protein 469; plus strand). Cytogenetic location: 16q24.2.
Variant type: single nucleotide variant.
Coding change: c.3985G>A on transcript NM_001367624.2 (MANE Select); coding-DNA position 3985, G replaced by A.
Protein change: p.Ala1329Thr; replaces alanine 1329 with threonine.
Molecular consequence: missense variant.
Genome position (GRCh38, 1-based): chr16:88,431,455, G>A. VCF-style: chr16-88431455-G-A. GRCh37 (hg19) VCF-style: chr16-88497863-G-A.
Other names: NM_001127464.1:c.3901G>A; short protein forms A1329T.
Identifiers: ClinVar variation 2062923 (VCV002062923.3), dbSNP rs974258605, ClinGen allele CA286375486.

ClinVar aggregate classification (germline): Uncertain significance. Review status: criteria provided, multiple submitters, no conflicts (2 of 4 stars). 2 submissions from 2 submitters: Uncertain significance (2). Last evaluated 2022-12-04.

Conditions:
Cardiovascular phenotype. Identifiers: MedGen CN230736.

Allele frequency attached by ClinVar (database versions not stated): gnomAD exomes below 0.00001; gnomAD 0.00003; TOPMed 0.00006.
gnomAD v4.1: 8 of 1,550,266 alleles (0.00052%); highest among the groups gnomAD compares: African/African-American, 0.0096%; no homozygotes.

Submissions (2):

Ambry Genetics
Classification: Uncertain significance for Cardiovascular phenotype. Last evaluated: 2022-12-04. Review status: criteria provided, single submitter. Criteria: Ambry Variant Classification Scheme 2023. Collection method: clinical testing. Allele origin: germline.
Comment: The p.A1301T variant (also known as c.3901G>A), located in coding exon 2 of the ZNF469 gene, results from a G to A substitution at nucleotide position 3901. The alanine at codon 1301 is replaced by threonine, an amino acid with similar properties. This amino acid position is conserved. In addition, this alteration is predicted to be tolerated by in silico analysis. Since supporting evidence is limited at this time, the clinical significance of this alteration remains unclear.

Labcorp Genetics (formerly Invitae), Labcorp
Classification: Uncertain significance. Last evaluated: 2022-09-24. Review status: criteria provided, single submitter. Criteria: Invitae Variant Classification Sherloc (09022015). Collection method: clinical testing. Allele origin: germline.
Comment: This sequence change replaces alanine, which is neutral and non-polar, with threonine, which is neutral and polar, at codon 1301 of the ZNF469 protein (p.Ala1301Thr). This variant is present in population databases (no rsID available, gnomAD 0.006%). This variant has not been reported in the literature in individuals affected with ZNF469-related conditions. Algorithms developed to predict the effect of missense changes on protein structure and function output the following: SIFT: "Tolerated"; PolyPhen-2: "Benign"; Align-GVGD: "Class C0". The threonine amino acid residue is found in multiple mammalian species, which suggests that this missense change does not adversely affect protein function. In summary, the available evidence is currently insufficient to determine the role of this variant in disease. Therefore, it has been classified as a Variant of Uncertain Significance.